The following is an entry in ClinVar:

ClinVar aggregate classification (germline): Pathogenic. Review status: criteria provided, multiple submitters, no conflicts (2 of 4 stars). 5 submissions from 5 submitters: Pathogenic (4). 1 of the submissions does not count toward it. Last evaluated 2026-02-01.

Conditions:
Vici syndrome (VICIS). Identifiers: Orphanet 1493, MedGen C1855772, MONDO:0009452, OMIM 242840.

Submissions (5):

Labcorp Genetics (formerly Invitae), Labcorp
Classification: Pathogenic for Vici syndrome. Last evaluated: 2026-02-01. Review status: criteria provided, single submitter. Criteria: Invitae Variant Classification Sherloc (09022015). Collection method: clinical testing. Allele origin: germline.
Comment: This sequence change creates a premature translational stop signal (p.Tyr1902Leufs*2) in the EPG5 gene. It is expected to result in an absent or disrupted protein product. Loss-of-function variants in EPG5 are known to be pathogenic (PMID: 23222957, 23674064, 40192014). This variant is present in population databases (rs760768451, gnomAD 0.01%). This premature translational stop signal has been observed in individual(s) with Vici syndrome (PMID: 23222957). It has also been observed to segregate with disease in related individuals. ClinVar contains an entry for this variant (Variation ID: 39981). For these reasons, this variant has been classified as Pathogenic.

Daryl Scott Lab, Baylor College of Medicine
Classification: Pathogenic for Vici syndrome. Last evaluated: 2025-08-25. Review status: criteria provided, single submitter. Criteria: ACMG Guidelines, 2015. Collection method: clinical testing. Allele origin: unknown. Affected: yes.
Comment: PVS1, PM2, PP1

GeneDx
Classification: Pathogenic. Last evaluated: 2024-10-29. Review status: criteria provided, single submitter. Criteria: GeneDx Variant Classification Process June 2021. Collection method: clinical testing. Allele origin: germline. Affected: yes.
Comment: Frameshift variant predicted to result in protein truncation or nonsense mediated decay in a gene for which loss of function is a known mechanism of disease; Not observed at significant frequency in large population cohorts (gnomAD); This variant is associated with the following publications: (PMID: 23222957, 26917586)

Fulgent Genetics
Classification: Pathogenic for Vici syndrome. Last evaluated: 2024-05-10. Review status: criteria provided, single submitter. Criteria: ACMG Guidelines, 2015. Collection method: clinical testing. Allele origin: germline.

OMIM
Classification: Pathogenic for VICI SYNDROME. Last evaluated: 2013-01-01. Review status: no assertion criteria provided. Collection method: literature only. Allele origin: germline. Not counted in ClinVar's aggregate classification.

Literature cited by the submitters: PubMed 23222957 (cited by Labcorp Genetics (formerly Invitae), Labcorp and OMIM); PubMed 23674064 (cited by Labcorp Genetics (formerly Invitae), Labcorp); PubMed 40192014 (cited by Labcorp Genetics (formerly Invitae), Labcorp).

NM_020964.3(EPG5):c.5704dup (p.Tyr1902fs)

Gene: EPG5 (ectopic P-granules 5 autophagy tethering factor; minus strand). Cytogenetic location: 18q12.3.
Variant type: Duplication.
Coding change: c.5704dup on transcript NM_020964.3 (MANE Select); coding-DNA position 5704, one base duplicated (T; older notation c.5704dupT).
Protein change: p.Tyr1902fs; shifts the reading frame from tyrosine 1902.
Molecular consequence: frameshift variant.
Genome position (GRCh38, 1-based): chr18:45,879,178, A duplicated on the plus strand (T on the coding strand, the reverse complement: EPG5 is on the minus strand); the first of 7 consecutive A bases (chr18:45,879,178-45,879,184); duplicating any one gives the same sequence. VCF-style (leftmost placement, unchanged base first): chr18-45879177-T-TA. GRCh37 (hg19) VCF-style: chr18-43459142-T-TA.
Other names: c.5698dup, p.Tyr1902Leufs (NM_001410858.1, NM_001410859.1); c.5704dup (NM_020964.2); c.5704dupT (NM_020964.3); short protein forms Y1902fs.
Identifiers: ClinVar variation 39981 (VCV000039981.9), dbSNP rs760768451, ClinGen allele CA8948492.
Genomic context (GRCh38, chr18:45,879,177, plus strand): 5'-GGACTCCATTTTGAGAATAAACCAAAGCTTTTAAAGTCCATCTTGGATAACCGAAGCTTA[T>TA]AAAAAAAGTCTGAAAGCCACTGTATAGTCTCCATTACCTGGAAGAGACAACTAGTCAAAA-3'